The following is an entry in ClinVar:

NM_021224.6(ZNF462):c.4276C>A (p.Pro1426Thr)

Gene: ZNF462 (zinc finger protein 462; plus strand). Cytogenetic location: 9q31.2.
Variant type: single nucleotide variant.
Coding change: c.4276C>A on transcript NM_021224.6 (MANE Select); coding-DNA position 4276, C replaced by A.
Protein change: p.Pro1426Thr; replaces proline 1426 with threonine.
Molecular consequence: missense variant. On other transcripts: intron variant (1).
Genome position (GRCh38, 1-based): chr9:106,928,188, C>A. VCF-style: chr9-106928188-C-A. GRCh37 (hg19) VCF-style: chr9-109690469-C-A.
Other names: c.3252+1024C>A (NM_001347997.2); c.4276C>A (NM_021224.4); short protein forms P1426T.
Identifiers: ClinVar variation 1690596 (VCV001690596.4), dbSNP rs1830279895, ClinGen allele CA374408019.

ClinVar aggregate classification (germline): Uncertain significance. Review status: criteria provided, multiple submitters, no conflicts (2 of 4 stars). 2 submissions from 2 submitters: Uncertain significance (2). Last evaluated 2023-06-21.

Conditions:
Inborn genetic diseases. Identifiers: MedGen C0950123, MeSH D030342.

Submissions (2):

Ambry Genetics
Classification: Uncertain significance for Inborn genetic diseases. Last evaluated: 2023-06-21. Review status: criteria provided, single submitter. Criteria: Ambry Variant Classification Scheme 2023. Collection method: clinical testing. Allele origin: germline.

Laboratorio de Genetica e Diagnostico Molecular, Hospital Israelita Albert Einstein
Classification: Uncertain significance. Last evaluated: 2022-03-21. Review status: criteria provided, single submitter. Criteria: ACMG Guidelines, 2015. Collection method: clinical testing. Allele origin: germline. Affected: yes.
Comment: ACMG classification criteria: PM2, BP4